The following is an entry in ClinVar:

NM_004453.4(ETFDH):c.380T>G (p.Leu127Arg)

Gene: ETFDH (electron transfer flavoprotein dehydrogenase; plus strand). Cytogenetic location: 4q32.1.
Variant type: single nucleotide variant.
Coding change: c.380T>G on transcript NM_004453.4 (MANE Select); coding-DNA position 380, T replaced by G.
Protein change: p.Leu127Arg; replaces leucine 127 with arginine.
Molecular consequence: missense variant.
Genome position (GRCh38, 1-based): chr4:158,682,399, T>G. VCF-style: chr4-158682399-T-G. GRCh37 (hg19) VCF-style: chr4-159603551-T-G.
Other names: c.239T>G, p.Leu80Arg (NM_001281737.2); c.197T>G, p.Leu66Arg (NM_001281738.1); short protein forms L66R, L127R, L80R.
Identifiers: ClinVar variation 1456455 (VCV001456455.6), dbSNP rs121964956, ClinGen allele CA358574497.

ClinVar aggregate classification (germline): Pathogenic (1 of 4 stars; one submission).

Conditions:
Multiple acyl-CoA dehydrogenase deficiency (MADD). Also called: Glutaric acidemia type II; GA 2; ETHYLMALONIC-ADIPICACIDURIA; GA II; Glutaric Acidemia type 2; Glutaric aciduria, type 2. Identifiers: Orphanet 26791, MedGen C0268596, MONDO:0009282, OMIM 231680.

Submission:

Labcorp Genetics (formerly Invitae), Labcorp
Classification: Pathogenic for Multiple acyl-CoA dehydrogenase deficiency. Last evaluated: 2021-11-25. Review status: criteria provided, single submitter. Criteria: Invitae Variant Classification Sherloc (09022015). Collection method: clinical testing. Allele origin: germline.
Comment: This sequence change replaces leucine, which is neutral and non-polar, with arginine, which is basic and polar, at codon 127 of the ETFDH protein (p.Leu127Arg). This variant is not present in population databases (gnomAD no frequency). This missense change has been observed in individual(s) with multiple acyl-coenzyme A dehydrogenase deficiency (PMID: 19758981). In at least one individual the data is consistent with being in trans (on the opposite chromosome) from a pathogenic variant. Advanced modeling of protein sequence and biophysical properties (such as structural, functional, and spatial information, amino acid conservation, physicochemical variation, residue mobility, and thermodynamic stability) performed at Invitae indicates that this missense variant is expected to disrupt ETFDH protein function. This variant disrupts the p.Leu127 amino acid residue in ETFDH. Other variant(s) that disrupt this residue have been determined to be pathogenic (PMID: 19249206). This suggests that this residue is clinically significant, and that variants that disrupt this residue are likely to be disease-causing. For these reasons, this variant has been classified as Pathogenic.

Literature cited by the submitters: PubMed 19758981; PubMed 19249206.